The following is an entry in ClinVar:

NM_015656.2(KIF26A):c.5374C>T (p.Arg1792Trp)

Gene: KIF26A (kinesin family member 26A; plus strand). Cytogenetic location: 14q32.33.
Variant type: single nucleotide variant.
Coding change: c.5374C>T on transcript NM_015656.2 (MANE Select); coding-DNA position 5374, C replaced by T.
Protein change: p.Arg1792Trp; replaces arginine 1792 with tryptophan.
Molecular consequence: missense variant.
Genome position (GRCh38, 1-based): chr14:104,179,293, C>T. VCF-style: chr14-104179293-C-T. GRCh37 (hg19) VCF-style: chr14-104645630-C-T.
Other names: short protein forms R1792W.
Identifiers: ClinVar variation 2462370 (VCV002462370.5), dbSNP rs537612423, ClinGen allele CA7371583.

ClinVar aggregate classification (germline): Uncertain significance. Review status: criteria provided, multiple submitters, no conflicts (2 of 4 stars). 2 submissions from 2 submitters: Uncertain significance (2). Last evaluated 2025-05-04.

Allele frequency attached by ClinVar (database versions not stated): gnomAD 0.00013; 1000 Genomes Project 30x 0.00016; gnomAD exomes 0.00017; TOPMed 0.00017; 1000 Genomes Project 0.00020; ExAC 0.00025.
gnomAD v4.1: 249 of 1,534,908 alleles (0.016%); highest among the groups gnomAD compares: Non-Finnish European, 0.02%; no homozygotes.

Submissions (2):

Ambry Genetics
Classification: Uncertain significance. Last evaluated: 2025-05-04. Review status: criteria provided, single submitter. Criteria: Ambry Variant Classification Scheme 2023. Collection method: clinical testing. Allele origin: germline.

GeneDx
Classification: Uncertain significance. Last evaluated: 2024-11-04. Review status: criteria provided, single submitter. Criteria: GeneDx Variant Classification Process June 2021. Collection method: clinical testing. Allele origin: germline.
Comment: In silico analysis supports that this missense variant has a deleterious effect on protein structure/function; Has not been previously published as pathogenic or benign to our knowledge